The following is an entry in ClinVar:

NM_000059.4(BRCA2):c.8053A>C (p.Thr2685Pro)

Gene: BRCA2 (BRCA2 DNA repair associated; plus strand). Cytogenetic location: 13q13.1.
Variant type: single nucleotide variant.
Coding change: c.8053A>C on transcript NM_000059.4 (MANE Select); coding-DNA position 8053, A replaced by C.
Protein change: p.Thr2685Pro; replaces threonine 2685 with proline.
Molecular consequence: missense variant.
Genome position (GRCh38, 1-based): chr13:32,363,255, A>C. VCF-style: chr13-32363255-A-C. GRCh37 (hg19) VCF-style: chr13-32937392-A-C.
Other names: short protein forms T2685P.
Identifiers: ClinVar variation 531326 (VCV000531326.9), dbSNP rs761030046, ClinGen allele CA387749078.
Genomic context (GRCh38, chr13:32,363,255, plus strand): 5'-GATAGAAGCAGAAGATCGGCTATAAAAAAGATAATGGAAAGGGATGACACAGCTGCAAAA[A>C]CACTTGTTCTCTGTGTTTCTGACATAATTTCATTGAGCGCAAATATATCTGAAACTTCTA-3'
Protein context (NP_000050.3, residues 2675-2695): IMERDDTAAK[Thr2685Pro]LVLCVSDIIS

ClinVar aggregate classification (germline): Uncertain significance (1 of 4 stars; one submission).

Conditions:
Hereditary breast ovarian cancer syndrome. Also called: Hereditary breast and ovarian cancer syndrome (HBOC); BRCA1- and BRCA2-Associated Hereditary Breast and Ovarian Cancer; Hereditary breast and ovarian cancer syndrome; Breast and ovarian cancer; Hereditary breast and ovarian cancer; Hereditary breast and/or ovarian cancer syndrome. Identifiers: Orphanet 145, MedGen C0677776, MeSH D061325, MONDO:0003582. Disease mechanism: loss of function.

Submission:

Labcorp Genetics (formerly Invitae), Labcorp
Classification: Uncertain significance for Hereditary breast ovarian cancer syndrome. Last evaluated: 2017-11-16. Review status: criteria provided, single submitter. Criteria: Invitae Variant Classification Sherloc (09022015). Collection method: clinical testing. Allele origin: germline.
Comment: This sequence change replaces threonine with proline at codon 2685 of the BRCA2 protein (p.Thr2685Pro). The threonine residue is highly conserved and there is a small physicochemical difference between threonine and proline. In summary, the available evidence is currently insufficient to determine the role of this variant in disease. Therefore, it has been classified as a Variant of Uncertain Significance. Algorithms developed to predict the effect of missense changes on protein structure and function do not agree on the potential impact of this missense change (SIFT: "Deleterious"; PolyPhen-2: "Probably Damaging"; Align-GVGD: "Class C0"). This variant has not been reported in the literature in individuals with BRCA2-related disease. This variant is not present in population databases (ExAC no frequency).